The following is an entry in ClinVar:

NM_207361.6(FREM2):c.7883G>A (p.Arg2628Gln)

Gene: FREM2 (FRAS1 related extracellular matrix 2; plus strand). Cytogenetic location: 13q13.3.
Variant type: single nucleotide variant.
Coding change: c.7883G>A on transcript NM_207361.6 (MANE Select); coding-DNA position 7883, G replaced by A.
Protein change: p.Arg2628Gln; replaces arginine 2628 with glutamine.
Molecular consequence: missense variant.
Genome position (GRCh38, 1-based): chr13:38,864,506, G>A. VCF-style: chr13-38864506-G-A. GRCh37 (hg19) VCF-style: chr13-39438643-G-A.
Other names: c.7883G>A (NM_207361.4); short protein forms R2628Q.
Identifiers: ClinVar variation 1397461 (VCV001397461.6), dbSNP rs199993718, ClinGen allele CA6955984.

ClinVar aggregate classification (germline): Uncertain significance. Review status: criteria provided, multiple submitters, no conflicts (2 of 4 stars). 3 submissions from 3 submitters: Uncertain significance (3). Last evaluated 2024-08-27.

Conditions:
Fraser syndrome 2 (FRASRS2). Identifiers: MedGen C4540036, MONDO:0054738, OMIM 617666.
Isolated cryptophthalmia. Also called: Cryptophthalmos, unilateral or bilateral, isolated; ANKYLOBLEPHARON, SIMPLE. Identifiers: Orphanet 91396, MedGen C1852453, MONDO:0007410, OMIM 123570.
Inborn genetic diseases. Identifiers: MedGen C0950123, MeSH D030342.

Allele frequency attached by ClinVar (database versions not stated): gnomAD 0.00007; gnomAD exomes 0.00008 and 0.00009; TOPMed 0.00008; ExAC 0.00009.
gnomAD v4.1: 134 of 1,614,048 alleles (0.0083%); highest among the groups gnomAD compares: Middle Eastern, 0.099%; 1 homozygote.

Submissions (5):

Ambry Genetics
Classification: Uncertain significance for Inborn genetic diseases. Last evaluated: 2024-08-27. Review status: criteria provided, single submitter. Criteria: Ambry Variant Classification Scheme 2023. Collection method: clinical testing. Allele origin: germline.

Fulgent Genetics
Classification: Uncertain significance for Isolated cryptophthalmia; Fraser syndrome 2. Last evaluated: 2024-04-22. Review status: criteria provided, single submitter. Criteria: ACMG Guidelines, 2015. Collection method: clinical testing. Allele origin: germline.

Labcorp Genetics (formerly Invitae), Labcorp
Classification: Uncertain significance. Last evaluated: 2021-12-17. Review status: criteria provided, single submitter. Criteria: Invitae Variant Classification Sherloc (09022015). Collection method: clinical testing. Allele origin: germline.
Comment: This sequence change replaces arginine, which is basic and polar, with glutamine, which is neutral and polar, at codon 2628 of the FREM2 protein (p.Arg2628Gln). This variant is present in population databases (rs199993718, gnomAD 0.03%). This variant has not been reported in the literature in individuals affected with FREM2-related conditions. Algorithms developed to predict the effect of missense changes on protein structure and function output the following: SIFT: "Deleterious"; PolyPhen-2: "Benign"; Align-GVGD: "Class C0". The glutamine amino acid residue is found in multiple mammalian species, which suggests that this missense change does not adversely affect protein function. Algorithms developed to predict the effect of sequence changes on RNA splicing suggest that this variant may create or strengthen a splice site. In summary, the available evidence is currently insufficient to determine the role of this variant in disease. Therefore, it has been classified as a Variant of Uncertain Significance.

Dr. Peter K. Rogan Lab, Western University
No classification provided (evidence only). Condition: Papillary renal cell carcinoma type 1. Review status: no classification provided. Collection method: in vitro. Allele origin: not applicable. Functional consequence: retained intron. Not counted in ClinVar's aggregate classification.

Dr. Peter K. Rogan Lab, Western University
No classification provided (evidence only). Condition: Gastric cancer. Review status: no classification provided. Collection method: in vitro. Allele origin: not applicable. Functional consequence: retained intron. Not counted in ClinVar's aggregate classification.